The following is an entry in ClinVar:

ClinVar aggregate classification (germline): Uncertain significance. Review status: criteria provided, multiple submitters, no conflicts (2 of 4 stars). 5 submissions from 5 submitters: Uncertain significance (5). Last evaluated 2026-05-18.

Conditions:
Gnathodiaphyseal dysplasia (GDD). Also called: GNATHODIAPHYSEAL SCLEROSIS; OSTEOGENESIS IMPERFECTA WITH UNUSUAL SKELETAL LESIONS. Identifiers: Orphanet 53697, MedGen C1833736, MONDO:0008151, OMIM 166260.
Autosomal recessive limb-girdle muscular dystrophy type 2L (LGMDR12). Also called: MUSCULAR DYSTROPHY, LIMB-GIRDLE, AUTOSOMAL RECESSIVE 12; Limb-Girdle Muscular Dystrophy R12 Anoctamin-5-Related (LGMD-R12); Limb-girdle muscular dystrophy, type 2L. Identifiers: Orphanet 206549, MedGen C1969785, MONDO:0012652, OMIM 611307.

Allele frequency attached by ClinVar (database versions not stated): ExAC 0.00001; gnomAD 0.00002; gnomAD exomes 0.00002 and 0.00004; TOPMed 0.00003.
gnomAD v4.1: 69 of 1,612,620 alleles (0.0043%); highest among the groups gnomAD compares: Non-Finnish European, 0.0054%; 1 homozygote.

Submissions (5):

Women's Health and Genetics/Laboratory Corporation of America, LabCorp
Classification: Uncertain significance. Last evaluated: 2026-05-18. Review status: criteria provided, single submitter. Criteria: LabCorp Variant Classification Summary - May 2015. Collection method: clinical testing. Allele origin: germline.
Comment: Variant summary: ANO5 c.2711A>T (p.Asn904Ile) results in a non-conservative amino acid change in the encoded protein sequence. Algorithms developed to predict the effect of missense changes on protein structure and function are either unavailable or do not agree on the potential impact of this missense change. The variant allele was found at a frequency of 1.6e-05 in 250298 control chromosomes. The available data on variant occurrences in the general population are insufficient to allow any conclusion about variant significance. To our knowledge, no occurrence of c.2711A>T in individuals affected with ANO5-related conditions and no experimental evidence demonstrating its impact on protein function have been reported. ClinVar contains an entry for this variant (Variation ID: 502231). Based on the evidence outlined above, the variant was classified as uncertain significance.

Labcorp Genetics (formerly Invitae), Labcorp
Classification: Uncertain significance for Autosomal recessive limb-girdle muscular dystrophy type 2L; Gnathodiaphyseal dysplasia. Last evaluated: 2025-11-27. Review status: criteria provided, single submitter. Criteria: Invitae Variant Classification Sherloc (09022015). Collection method: clinical testing. Allele origin: germline.
Comment: This sequence change replaces asparagine, which is neutral and polar, with isoleucine, which is neutral and non-polar, at codon 904 of the ANO5 protein (p.Asn904Ile). This variant is present in population databases (rs772279212, gnomAD 0.004%). This variant has not been reported in the literature in individuals affected with ANO5-related conditions. ClinVar contains an entry for this variant (Variation ID: 502231). Invitae Evidence Modeling of protein sequence and biophysical properties (such as structural, functional, and spatial information, amino acid conservation, physicochemical variation, residue mobility, and thermodynamic stability) has been performed for this missense variant. However, the output from this modeling did not meet the statistical confidence thresholds required to predict the impact of this variant on ANO5 protein function. In summary, the available evidence is currently insufficient to determine the role of this variant in disease. Therefore, it has been classified as a Variant of Uncertain Significance.

Revvity Omics, Revvity
Classification: Uncertain significance. Last evaluated: 2023-12-05. Review status: criteria provided, single submitter. Criteria: ACMG Guidelines, 2015. Collection method: clinical testing. Allele origin: germline.

Mayo Clinic Laboratories, Mayo Clinic
Classification: Uncertain significance. Last evaluated: 2023-06-22. Review status: criteria provided, single submitter. Criteria: ACMG Guidelines, 2015. Collection method: clinical testing. Allele origin: germline. Observed: 1 variant allele.
Comment: BP4

Eurofins Ntd Llc (ga)
Classification: Uncertain significance. Last evaluated: 2017-06-21. Review status: criteria provided, single submitter. Criteria: EGL Classification Definitions 2015. Collection method: clinical testing. Allele origin: germline. Observed: 2 variant alleles, 2 heterozygotes.

NM_213599.3(ANO5):c.2711A>T (p.Asn904Ile)

Gene: ANO5 (anoctamin 5; plus strand). Cytogenetic location: 11p14.3.
Variant type: single nucleotide variant.
Coding change: c.2711A>T on transcript NM_213599.3 (MANE Select); coding-DNA position 2711, A replaced by T.
Protein change: p.Asn904Ile; replaces asparagine 904 with isoleucine.
Molecular consequence: missense variant.
Genome position (GRCh38, 1-based): chr11:22,279,734, A>T. VCF-style: chr11-22279734-A-T. GRCh37 (hg19) VCF-style: chr11-22301280-A-T.
Other names: p.Asn904Ile; c.2711A>T (NM_213599.2); c.2708A>T, p.Asn903Ile (NM_001142649.2); short protein forms N904I, N903I.
Identifiers: ClinVar variation 502231 (VCV000502231.17), dbSNP rs772279212, ClinGen allele CA5923647.